The following is an entry in ClinVar:

ClinVar aggregate classification (germline): Conflicting classifications of pathogenicity. Review status: criteria provided, conflicting classifications (1 of 4 stars). 4 submissions from 4 submitters: Uncertain significance (3); Likely benign (1). Last evaluated 2026-03-11.

Conditions:
Congenital contractural arachnodactyly (CCA). Also called: BEALS SYNDROME; Beals-Hecht syndrome; Arthrogryposis, distal, type 9. Identifiers: Orphanet 115, MedGen C0220668, MONDO:0007363, OMIM 121050.
Familial thoracic aortic aneurysm and aortic dissection (TAAD). Also called: Thoracic aortic aneurysms and dissections. Identifiers: Orphanet 91387, MedGen C4707243, MONDO:0019625.

Allele frequency attached by ClinVar (database versions not stated): ExAC 0.00002; gnomAD exomes 0.00003; gnomAD 0.00004; TOPMed 0.00005.
gnomAD v4.1: 27 of 1,613,646 alleles (0.0017%); highest among the groups gnomAD compares: Middle Eastern, 0.033%; 1 homozygote.

Submissions (4):

Ambry Genetics
Classification: Uncertain significance for Familial thoracic aortic aneurysm and aortic dissection. Last evaluated: 2026-03-11. Review status: criteria provided, single submitter. Criteria: Ambry Variant Classification Scheme 2023. Collection method: clinical testing. Allele origin: germline.
Comment: The p.P2723L variant (also known as c.8168C>T), located in coding exon 63 of the FBN2 gene, results from a C to T substitution at nucleotide position 8168. The proline at codon 2723 is replaced by leucine, an amino acid with similar properties. This amino acid position is conserved. In addition, the in silico prediction for this alteration is inconclusive. Based on the available evidence, the clinical significance of this variant remains unclear.

Labcorp Genetics (formerly Invitae), Labcorp
Classification: Likely benign for Congenital contractural arachnodactyly. Last evaluated: 2025-10-13. Review status: criteria provided, single submitter. Criteria: Invitae Variant Classification Sherloc (09022015). Collection method: clinical testing. Allele origin: germline.

CeGaT Center for Human Genetics Tuebingen
Classification: Uncertain significance. Last evaluated: 2022-11-01. Review status: criteria provided, single submitter. Criteria: CeGaT Center For Human Genetics Tuebingen Variant Classification Criteria Version 2. Collection method: clinical testing. Allele origin: germline. Affected: yes. Observed: 1 variant allele.

GeneDx
Classification: Uncertain significance. Last evaluated: 2022-03-16. Review status: criteria provided, single submitter. Criteria: GeneDx Variant Classification Process June 2021. Collection method: clinical testing. Allele origin: germline. Affected: yes.
Comment: Has not been previously published as pathogenic or benign to our knowledge; In silico analysis supports that this missense variant has a deleterious effect on protein structure/function; Although located in a calcium-binding EGF-like domain of the FBN2 gene, it does not affect a cysteine residue within this domain; cysteine substitutions in the calcium-binding EGF-like domains represent the majority of pathogenic missense changes associated with FBN2-related disorders (Frederic et al., 2009)

NM_001999.4(FBN2):c.8168C>T (p.Pro2723Leu)

Gene: FBN2 (fibrillin 2; minus strand). Cytogenetic location: 5q23.3.
Variant type: single nucleotide variant.
Coding change: c.8168C>T on transcript NM_001999.4 (MANE Select); coding-DNA position 8168, C replaced by T.
Protein change: p.Pro2723Leu; replaces proline 2723 with leucine.
Molecular consequence: missense variant.
Genome position (GRCh38, 1-based): chr5:128,263,449, G>A on the plus strand (C>T on the coding strand, the complement: FBN2 is on the minus strand). VCF-style: chr5-128263449-G-A. GRCh37 (hg19) VCF-style: chr5-127599141-G-A.
Other names: short protein forms P2723L.
Identifiers: ClinVar variation 570344 (VCV000570344.34), dbSNP rs746473847, ClinGen allele CA3393903.